The following is an entry in ClinVar:

NM_000059.4(BRCA2):c.7008-590G>A

Gene: BRCA2 (BRCA2 DNA repair associated; plus strand). Cytogenetic location: 13q13.1.
Variant type: single nucleotide variant.
Coding change: c.7008-590G>A on transcript NM_000059.4 (MANE Select); 590 bases into the intron before coding-DNA position 7008, G replaced by A.
Molecular consequence: intron variant.
Genome position (GRCh38, 1-based): chr13:32,354,271, G>A. VCF-style: chr13-32354271-G-A. GRCh37 (hg19) VCF-style: chr13-32928408-G-A.
Other names: IVS 13-590G>A.
Identifiers: ClinVar variation 209941 (VCV000209941.1), dbSNP rs1460816, ClinGen allele CA276908.

ClinVar aggregate classification (germline): Benign (3 of 4 stars; one submission).

Conditions:
Breast-ovarian cancer, familial, susceptibility to, 2 (BROVCA2). Also called: BRCA2 Hereditary Breast and Ovarian Cancer. Identifiers: Orphanet 145, MedGen C2675520, MONDO:0012933, OMIM 612555. Disease mechanism: loss of function.

Allele frequency attached by ClinVar (database versions not stated): 1000 Genomes Project 30x 0.53201; 1000 Genomes Project 0.53474; TOPMed 0.53563; gnomAD 0.54027 and 0.54189.
gnomAD v4.1: 81,841 of 151,772 alleles (54%); highest among the groups gnomAD compares: East Asian, 57%; 22,170 homozygotes.

Submission:

Evidence-based Network for the Interpretation of Germline Mutant Alleles (ENIGMA)
Classification: Benign for Breast-ovarian cancer, familial 2. Last evaluated: 2015-01-12. Review status: reviewed by expert panel. Criteria: ENIGMA BRCA1/2 Classification Criteria (2015). Collection method: curation. Allele origin: germline.
Comment: Class 1 not pathogenic based on frequency >1% in an outbred sampleset. Frequency 0.5524 (Asian), 0.561 (African), 0.5396 (European), derived from 1000 genomes (2012-04-30).